The following is an entry in ClinVar:

ClinVar aggregate classification (germline): Uncertain significance (1 of 4 stars; one submission).

Conditions:
Hereditary nonpolyposis colorectal neoplasms. Identifiers: MedGen C0009405, MeSH D003123.

Submission:

Labcorp Genetics (formerly Invitae), Labcorp
Classification: Uncertain significance for Hereditary nonpolyposis colorectal neoplasms. Last evaluated: 2018-10-31. Review status: criteria provided, single submitter. Criteria: Invitae Variant Classification Sherloc (09022015). Collection method: clinical testing. Allele origin: germline.
Comment: In summary, the available evidence is currently insufficient to determine the role of this variant in disease. Therefore, it has been classified as a Variant of Uncertain Significance. Algorithms developed to predict the effect of missense changes on protein structure and function are either unavailable or do not agree on the potential impact of this missense change (SIFT: "Tolerated"; PolyPhen-2: "Probably Damaging"; Align-GVGD: "Class C0"). This variant has not been reported in the literature in individuals with MSH6-related disease. This variant is not present in population databases (ExAC no frequency). This sequence change replaces phenylalanine with leucine at codon 865 of the MSH6 protein (p.Phe865Leu). The phenylalanine residue is highly conserved and there is a small physicochemical difference between phenylalanine and leucine.

NM_000179.3(MSH6):c.2593T>C (p.Phe865Leu)

Gene: MSH6 (mutS homolog 6; plus strand). Cytogenetic location: 2p16.3.
Variant type: single nucleotide variant.
Coding change: c.2593T>C on transcript NM_000179.3 (MANE Select); coding-DNA position 2593, T replaced by C.
Protein change: p.Phe865Leu; replaces phenylalanine 865 with leucine.
Molecular consequence: missense variant.
Genome position (GRCh38, 1-based): chr2:47,800,576, T>C. VCF-style: chr2-47800576-T-C. GRCh37 (hg19) VCF-style: chr2-48027715-T-C.
Other names: c.2203T>C, p.Phe735Leu (NM_001281492.2); c.1687T>C, p.Phe563Leu (NM_001281493.2, NM_001281494.2); short protein forms F865L, F563L, F735L.
Identifiers: ClinVar variation 651701 (VCV000651701.9), dbSNP rs1558665927, ClinGen allele CA346754871.
Genomic context (GRCh38, chr2:47,800,576, plus strand): 5'-TATGAAGAAACTACATACAGCAAGAAGAAGATTATTGATTTTCTTTCTGCTCTGGAAGGA[T>C]TCAAAGTAATGTGTAAAATTATAGGGATCATGGAAGAAGTTGCTGATGGTTTTAAGTCTA-3'
Protein context (NP_000170.1, residues 855-875): IIDFLSALEG[Phe865Leu]KVMCKIIGIM